The following is an entry in ClinVar:

ClinVar aggregate classification (germline): Uncertain significance (1 of 4 stars; one submission).

Allele frequency attached by ClinVar (database versions not stated): gnomAD exomes 0.00001.
gnomAD v4.1: 9 of 1,613,744 alleles (0.00056%); highest among the groups gnomAD compares: Non-Finnish European, 0.00076%; no homozygotes.

Submission:

Labcorp Genetics (formerly Invitae), Labcorp
Classification: Uncertain significance. Last evaluated: 2023-02-23. Review status: criteria provided, single submitter. Criteria: Invitae Variant Classification Sherloc (09022015). Collection method: clinical testing. Allele origin: germline.
Comment: In summary, the available evidence is currently insufficient to determine the role of this variant in disease. Therefore, it has been classified as a Variant of Uncertain Significance. Advanced modeling of protein sequence and biophysical properties (such as structural, functional, and spatial information, amino acid conservation, physicochemical variation, residue mobility, and thermodynamic stability) performed at Invitae indicates that this missense variant is expected to disrupt PRPF6 protein function. This variant has not been reported in the literature in individuals affected with PRPF6-related conditions. This variant is not present in population databases (gnomAD no frequency). This sequence change replaces methionine, which is neutral and non-polar, with threonine, which is neutral and polar, at codon 800 of the PRPF6 protein (p.Met800Thr).

NM_012469.4(PRPF6):c.2399T>C (p.Met800Thr)

Gene: PRPF6 (pre-mRNA processing factor 6; plus strand). Cytogenetic location: 20q13.33.
Variant type: single nucleotide variant.
Coding change: c.2399T>C on transcript NM_012469.4 (MANE Select); coding-DNA position 2399, T replaced by C.
Protein change: p.Met800Thr; replaces methionine 800 with threonine.
Molecular consequence: missense variant.
Genome position (GRCh38, 1-based): chr20:64,028,537, T>C. VCF-style: chr20-64028537-T-C. GRCh37 (hg19) VCF-style: chr20-62659890-T-C.
Other names: short protein forms M800T.
Identifiers: ClinVar variation 3004886 (VCV003004886.3), dbSNP rs2517652952, ClinGen allele CA409742752.